The following is an entry in ClinVar:

ClinVar aggregate classification (germline): Uncertain significance (1 of 4 stars; one submission).

gnomAD v4.1: 2 of 1,614,198 alleles (0.00012%); highest among the groups gnomAD compares: Admixed American, 0.0033%; no homozygotes.

Submission:

Athena Diagnostics
Classification: Uncertain significance. Last evaluated: 2023-11-28. Review status: criteria provided, single submitter. Criteria: Athena Diagnostics Criteria. Collection method: clinical testing. Allele origin: unknown.
Comment: Available data are insufficient to determine the clinical significance of the variant at this time. The frequency of this variant in the general population is uninformative in assessment of its pathogenicity. Computational tools disagree on the variant's effect on normal protein function.

NM_000304.4(PMP22):c.316G>T (p.Ala106Ser)

Gene: PMP22 (peripheral myelin protein 22; minus strand). Cytogenetic location: 17p12.
Variant type: single nucleotide variant.
Coding change: c.316G>T on transcript NM_000304.4 (MANE Select); coding-DNA position 316, G replaced by T.
Protein change: p.Ala106Ser; replaces alanine 106 with serine.
Molecular consequence: missense variant. On other transcripts: non-coding transcript variant (2).
Genome position (GRCh38, 1-based): chr17:15,239,474, C>A on the plus strand (G>T on the coding strand, the complement: PMP22 is on the minus strand). VCF-style: chr17-15239474-C-A. GRCh37 (hg19) VCF-style: chr17-15142791-C-A.
Other names: c.316G>T, p.Ala106Ser (NM_001281455.2, NM_001281456.2, NM_001330143.2 and 2 more transcripts); short protein forms A106S.
Identifiers: ClinVar variation 3571883 (VCV003571883.1).